The following is an entry in ClinVar:

ClinVar aggregate classification (germline): Uncertain significance (1 of 4 stars; one submission).

Submission:

Ambry Genetics
Classification: Uncertain significance. Last evaluated: 2022-11-03. Review status: criteria provided, single submitter. Criteria: Ambry Variant Classification Scheme 2023. Collection method: clinical testing. Allele origin: germline.
Comment: The p.Q1368R variant (also known as c.4103A>G), located in coding exon 16 of the POLQ gene, results from an A to G substitution at nucleotide position 4103. The glutamine at codon 1368 is replaced by arginine, an amino acid with highly similar properties. This amino acid position is conserved. In addition, this alteration is predicted to be tolerated by in silico analysis. Since supporting evidence is limited at this time, the clinical significance of this alteration remains unclear.

NM_199420.4(POLQ):c.4103A>G (p.Gln1368Arg)

Gene: POLQ (DNA polymerase theta; minus strand). Cytogenetic location: 3q13.33.
Variant type: single nucleotide variant.
Coding change: c.4103A>G on transcript NM_199420.4 (MANE Select); coding-DNA position 4103, A replaced by G.
Protein change: p.Gln1368Arg; replaces glutamine 1368 with arginine.
Molecular consequence: missense variant.
Genome position (GRCh38, 1-based): chr3:121,488,828, T>C on the plus strand (A>G on the coding strand, the complement: POLQ is on the minus strand). VCF-style: chr3-121488828-T-C. GRCh37 (hg19) VCF-style: chr3-121207675-T-C.
Other names: short protein forms Q1368R.
Identifiers: ClinVar variation 2448894 (VCV002448894.2), dbSNP rs2546786350, ClinGen allele CA354096155.